The following is an entry in ClinVar:

ClinVar aggregate classification (germline): Uncertain significance. Review status: criteria provided, multiple submitters, no conflicts (2 of 4 stars). 3 submissions from 3 submitters: Uncertain significance (3). Last evaluated 2024-05-16.

Conditions:
Hereditary cancer-predisposing syndrome. Also called: Hereditary neoplastic syndrome; Tumor predisposition; Neoplastic Syndromes, Hereditary; Hereditary Cancer Syndrome. Identifiers: Orphanet 140162, MedGen C0027672, MeSH D009386, MONDO:0015356.
Hereditary diffuse gastric adenocarcinoma (HDGC). Also called: DIFFUSE GASTRIC AND LOBULAR BREAST CANCER SYNDROME. Identifiers: Orphanet 26106, MedGen C1708349, MONDO:0007648, OMIM 137215.

Allele frequency attached by ClinVar (database versions not stated): gnomAD 0.00001; TOPMed 0.00002.
gnomAD v4.1: 1 of 1,614,106 alleles (0.000062%); highest among the groups gnomAD compares: African/African-American, 0.0013%; no homozygotes.

Submissions (3):

Labcorp Genetics (formerly Invitae), Labcorp
Classification: Uncertain significance for Hereditary diffuse gastric adenocarcinoma. Last evaluated: 2024-05-16. Review status: criteria provided, single submitter. Criteria: Invitae Variant Classification Sherloc (09022015). Collection method: clinical testing. Allele origin: germline.
Comment: This sequence change replaces phenylalanine, which is neutral and non-polar, with leucine, which is neutral and non-polar, at codon 98 of the CDH1 protein (p.Phe98Leu). This variant is not present in population databases (gnomAD no frequency). This variant has not been reported in the literature in individuals affected with CDH1-related conditions. ClinVar contains an entry for this variant (Variation ID: 964177). An algorithm developed to predict the effect of missense changes on protein structure and function (PolyPhen-2) suggests that this variant is likely to be tolerated. In summary, the available evidence is currently insufficient to determine the role of this variant in disease. Therefore, it has been classified as a Variant of Uncertain Significance.

Color Diagnostics, LLC DBA Color Health
Classification: Uncertain significance for Hereditary cancer-predisposing syndrome. Last evaluated: 2024-01-22. Review status: criteria provided, single submitter. Criteria: ACMG Guidelines, 2015. Collection method: clinical testing. Allele origin: germline.
Comment: This missense variant replaces phenylalanine with leucine at codon 98 of the CDH1 protein. To our knowledge, functional studies have not been reported for this variant. This variant has not been reported in individuals affected with CDH1-related disorders in the literature. This variant has not been identified in the general population by the Genome Aggregation Database (gnomAD). The available evidence is insufficient to determine the role of this variant in disease conclusively. Therefore, this variant is classified as a Variant of Uncertain Significance.

Ambry Genetics
Classification: Uncertain significance for Hereditary cancer-predisposing syndrome. Last evaluated: 2023-02-06. Review status: criteria provided, single submitter. Criteria: Ambry Variant Classification Scheme 2023. Collection method: clinical testing. Allele origin: germline.
Comment: The p.F98L variant (also known as c.294C>A), located in coding exon 3 of the CDH1 gene, results from a C to A substitution at nucleotide position 294. The phenylalanine at codon 98 is replaced by leucine, an amino acid with highly similar properties. This amino acid position is highly conserved in available vertebrate species. In addition, this alteration is predicted to be tolerated by in silico analysis. Since supporting evidence is limited at this time, the clinical significance of this alteration remains unclear.

NM_004360.5(CDH1):c.294C>A (p.Phe98Leu)

Gene: CDH1 (cadherin 1; plus strand). Cytogenetic location: 16q22.1.
Variant type: single nucleotide variant.
Coding change: c.294C>A on transcript NM_004360.5 (MANE Select); coding-DNA position 294, C replaced by A.
Protein change: p.Phe98Leu; replaces phenylalanine 98 with leucine.
Molecular consequence: missense variant. On other transcripts: 5 prime UTR variant (2).
Genome position (GRCh38, 1-based): chr16:68,801,800, C>A. VCF-style: chr16-68801800-C-A. GRCh37 (hg19) VCF-style: chr16-68835703-C-A.
Other names: c.294C>A, p.Phe98Leu (NM_001317184.2); c.-1322C>A (NM_001317185.2); c.-1526C>A (NM_001317186.2); short protein forms F98L.
Identifiers: ClinVar variation 964177 (VCV000964177.13), dbSNP rs1177900932, ClinGen allele CA396457326.